The following is an entry in ClinVar:

NM_001048174.2(MUTYH):c.409G>T (p.Ala137Ser)

Gene: MUTYH (mutY DNA glycosylase; minus strand). Cytogenetic location: 1p34.1.
Variant type: single nucleotide variant.
Coding change: c.409G>T on transcript NM_001048174.2 (MANE Select); coding-DNA position 409, G replaced by T.
Protein change: p.Ala137Ser; replaces alanine 137 with serine.
Molecular consequence: missense variant. On other transcripts: non-coding transcript variant (6), intron variant (4).
Genome position (GRCh38, 1-based): chr1:45,332,929, C>A on the plus strand (G>T on the coding strand, the complement: MUTYH is on the minus strand). VCF-style: chr1-45332929-C-A. GRCh37 (hg19) VCF-style: chr1-45798601-C-A.
Other names: c.409G>T, p.Ala137Ser (NM_001048171.2, NM_001048173.2, NM_001293195.2 and 5 more transcripts); c.412G>T, p.Ala138Ser (NM_001048172.2, NM_001407086.1, NM_001407071.1 and 1 more transcripts); c.493G>T, p.Ala165Ser (NM_001128425.2); c.454G>T, p.Ala152Ser (NM_001293190.2); c.442G>T, p.Ala148Ser (NM_001293191.2, NM_001407077.1); c.133G>T, p.Ala45Ser (NM_001293192.2, NM_001293196.2, NM_001407091.1); c.64G>T, p.Ala22Ser (NM_001350650.2, NM_001350651.2, NM_001407082.1); c.430G>T, p.Ala144Ser (NM_001407087.1); and 7 more; short protein forms A109S, A138S, A151S, A162S, A165S, A137S, A22S, A144S.
Identifiers: ClinVar variation 4113693 (VCV004113693.1).

ClinVar aggregate classification (germline): Uncertain significance (1 of 4 stars; one submission).

Conditions:
Hereditary cancer-predisposing syndrome. Also called: Hereditary neoplastic syndrome; Neoplastic Syndromes, Hereditary; Tumor predisposition; Hereditary Cancer Syndrome. Identifiers: Orphanet 140162, MedGen C0027672, MeSH D009386, MONDO:0015356.

Submission:

Ambry Genetics
Classification: Uncertain significance for Hereditary cancer-predisposing syndrome. Last evaluated: 2025-08-27. Review status: criteria provided, single submitter. Criteria: Ambry Variant Classification Scheme 2023. Collection method: clinical testing. Allele origin: germline.
Comment: The p.A165S variant (also known as c.493G>T), located in coding exon 6 of the MUTYH gene, results from a G to T substitution at nucleotide position 493. The alanine at codon 165 is replaced by serine, an amino acid with similar properties. This amino acid position is conserved. In addition, the in silico prediction for this alteration is inconclusive. Based on the available evidence, the clinical significance of this variant remains unclear.